The following is an entry in ClinVar:

ClinVar aggregate classification (germline): Uncertain significance (1 of 4 stars; one submission).

Conditions:
Cryptosporidiosis-chronic cholangitis-liver disease syndrome. Also called: IL21R immunodeficiency; Immunodeficiency type 56. Identifiers: Orphanet 357329, MedGen C3554687, MONDO:0014082, OMIM 615207.

Submission:

Labcorp Genetics (formerly Invitae), Labcorp
Classification: Uncertain significance for Cryptosporidiosis-chronic cholangitis-liver disease syndrome. Last evaluated: 2021-09-02. Review status: criteria provided, single submitter. Criteria: Invitae Variant Classification Sherloc (09022015). Collection method: clinical testing. Allele origin: germline.
Comment: This sequence change replaces methionine with arginine at codon 487 of the IL21R protein (p.Met487Arg). The methionine residue is highly conserved and there is a moderate physicochemical difference between methionine and arginine. This variant is not present in population databases (ExAC no frequency). This variant has not been reported in the literature in individuals affected with IL21R-related conditions. Algorithms developed to predict the effect of missense changes on protein structure and function (SIFT, PolyPhen-2, Align-GVGD) all suggest that this variant is likely to be disruptive. Algorithms developed to predict the effect of sequence changes on RNA splicing suggest that this variant may create or strengthen a splice site. In summary, the available evidence is currently insufficient to determine the role of this variant in disease. Therefore, it has been classified as a Variant of Uncertain Significance.

NM_181078.3(IL21R):c.1460T>G (p.Met487Arg)

Genes: IL21R (interleukin 21 receptor; plus strand), IL21R-AS1 (IL21R antisense RNA 1; minus strand), LOC130058713 (ATAC-STARR-seq lymphoblastoid active region 10627; plus strand). Cytogenetic location: 16p12.1.
Variant type: single nucleotide variant.
Coding change: c.1460T>G on transcript NM_181078.3 (MANE Select); coding-DNA position 1460, T replaced by G.
Protein change: p.Met487Arg; replaces methionine 487 with arginine.
Molecular consequence: missense variant. On other transcripts: non-coding transcript variant (1).
Genome position (GRCh38, 1-based): chr16:27,449,126, T>G. VCF-style: chr16-27449126-T-G. GRCh37 (hg19) VCF-style: chr16-27460447-T-G.
Other names: c.1460T>G, p.Met487Arg (NM_021798.4); c.1526T>G, p.Met509Arg (NM_181079.5); short protein forms M487R, M509R.
Identifiers: ClinVar variation 841079 (VCV000841079.7), dbSNP rs757464564, ClinGen allele CA395308859.
Genomic context (GRCh38, chr16:27,449,126, plus strand): 5'-GCCGGTCACCTGGAGGGGTCTCAGAGAGTGAGGCGGGCTCACCCCTGGCCGGCCTGGATA[T>G]GGACACGTTTGACAGTGGCTTTGTGGGCTCTGACTGCAGCAGCCCTGTGGAGTGTGACTT-3'
Protein context (NP_851564.1, residues 477-497): EAGSPLAGLD[Met487Arg]DTFDSGFVGS